The following is an entry in ClinVar:

ClinVar aggregate classification (germline): Pathogenic. Review status: criteria provided, multiple submitters, no conflicts (2 of 4 stars). 10 submissions from 10 submitters: Pathogenic (10). Last evaluated 2026-07-15.

Conditions:
Autosomal dominant PTPN11-related disorders.
PTPN11-related disorder. Also called: PTPN11-Related Disorders.
Cardiovascular phenotype. Identifiers: MedGen CN230736.
RASopathy. Also called: rasopathies; Noonan spectrum disorder. Identifiers: Orphanet 536391, MedGen C5555857, MONDO:0021060.
Noonan syndrome (NS). Also called: Noonan's syndrome. Identifiers: Orphanet 648, MedGen C0028326, MeSH D009634, MONDO:0018997. Disease mechanism: gain of function.
Noonan syndrome 1 (NS1). Also called: PTPN11-Related Noonan Syndrome; FEMALE PSEUDO-TURNER SYNDROME; TURNER PHENOTYPE WITH NORMAL KARYOTYPE. Identifiers: Orphanet 648, MedGen C4551602, MONDO:0008104, OMIM 163950. Disease mechanism: gain of function.

Allele frequency attached by ClinVar (database versions not stated): gnomAD exomes below 0.00001.
gnomAD v4.1: 2 of 1,613,822 alleles (0.00012%); highest among the groups gnomAD compares: Non-Finnish European, 0.00017%; no homozygotes.

Submissions 1 to 6 of 10:

PreventionGenetics, part of Exact Sciences
Classification: Pathogenic for PTPN11-related condition. Last evaluated: 2026-07-15. Review status: criteria provided, single submitter. Criteria: ACMG Guidelines, 2015. Collection method: clinical testing. Allele origin: germline.
Comment: The PTPN11 c.228G>C variant is predicted to result in the amino acid substitution p.Glu76Asp. This variant has been reported in multiple individuals with Noonan syndrome (see for example: Tartaglia et al. 2001. PubMed ID: 11704759; Ferrero et al. 2008. PubMed ID: 18678287; Tartaglia et al. 2006. PubMed ID: 16358218). An alternate nucleotide change resulting in the same amino acid substitution (c.228G>T, p.Glu76Asp) has been reported to be causative for Noonan syndrome (see for example, Tartaglia et al. 2006. PubMed ID: 16358218; Table S3, Leach et al. 2019. PubMed ID: 29907801; Orlova et al. 2024. PubMed ID: 38540404, ClinVar Variation ID: 40502). Functional studies support this variant's pathogenicity (Keilhack et al. 2005. PubMed ID: 15987685; Tartaglia et al. 2006. PubMed ID: 16358218; Bocchinfuso et al. 2007. PubMed ID: 17177198). This variant resides in a region of PTPN11 (amino acids 69-77) that is defined as a mutational hotspot and/or critical functional domain by the ClinGen RASopathy VCEP (Gelb et al. 2018. PubMed ID: 29493581; Wilcox et al. 2025. PubMed ID: 40496714). This variant has not been reported in a large population database (gnomAD), indicating this variant is rare. This variant is interpreted as pathogenic.

Variantyx, Inc.
Classification: Pathogenic for Autosomal dominant PTPN11-related disorders. Last evaluated: 2025-09-08. Review status: criteria provided, single submitter. Criteria: Variantyx Assertion Criteria 2022. Collection method: clinical testing. Allele origin: germline. Inheritance: Autosomal dominant inheritance. Affected: yes.
Comment: This is a nonsynonymous variant in the PTPN11 gene (OMIM: 176876). Pathogenic variants in this gene have been associated with autosomal dominant PTPN11-related disorders. This variant has been reported in several unrelated affected individuals (PMID: 11704759, 34643321, 31560489, 38540404) (PS4). Functional studies have shown that this variant alters PTPN11 protein function (PMID: 17177198) (PS3), and multiple computational algorithms predict a deleterious effect for this variant (REVEL score: 0.703) (PP3). Moreover, an alternate nucleotide substitution resulting in the same amino acid change (c.228G>T) has been previously reported as pathogenic (PMID: 11704759, 12634870, 16830086, 18678287, 22190897) (PS1). This variant has a 0.0003% maximum allele frequency in non-founder control populations (PM2). Based on the current evidence, this variant is classified as pathogenic for autosomal dominant PTPN11-related disorders.

3billion
Classification: Pathogenic for Noonan syndrome 1. Last evaluated: 2025-08-19. Review status: criteria provided, single submitter. Criteria: ACMG Guidelines, 2015. Collection method: clinical testing. Allele origin: germline. Affected: yes.
Comment: The variant is observed at an extremely low frequency in the gnomAD v4.1.0 dataset (total allele frequency: <0.001%). Predicted Consequence/Location: The variant is located in a mutational hot spot and/or well-established functional domain in which established pathogenic variants have been reported (PMID: 29493581). Missense variant. Missense changes are a common disease-causing mechanism. In silico tool predictions suggest damaging effect of the variant on gene or gene product [3Cnet: 0.99 (> 0.75, sensitivity 0.96 and precision 0.92)]. The same nucleotide change resulting in the same amino acid change has been previously reported as pathogenic/likely pathogenic with strong evidence (ClinVar ID: VCV000040503 /PMID: 11704759 /3billion dataset). Different missense changes at the same codon (p.Glu76Ala, p.Glu76Gln, p.Glu76Gly, p.Glu76Lys, p.Glu76Val) have been reported as pathogenic/likely pathogenic with strong evidence (ClinVar ID: VCV000013336, VCV000013337, VCV000013338, VCV000013339, VCV000181496 /PMID: 21482541, 23321623, 23756559, 32794475 /3billion dataset). Therefore, this variant is classified as Pathogenic according to the recommendation of ACMG/AMP guideline.

Labcorp Genetics (formerly Invitae), Labcorp
Classification: Pathogenic for RASopathy. Last evaluated: 2025-06-23. Review status: criteria provided, single submitter. Criteria: Invitae Variant Classification Sherloc (09022015). Collection method: clinical testing. Allele origin: germline.
Comment: This sequence change replaces glutamic acid, which is acidic and polar, with aspartic acid, which is acidic and polar, at codon 76 of the PTPN11 protein (p.Glu76Asp). This variant is not present in population databases (gnomAD no frequency). This missense change has been observed in individuals with Noonan syndrome (PMID: 11704759, 12634870, 16358218, 16830086, 18678287, 19077116, 22190897). ClinVar contains an entry for this variant (Variation ID: 40503). Invitae Evidence Modeling incorporating data from in vitro experimental studies (internal data) indicates that this missense variant is expected to disrupt PTPN11 function with a positive predictive value of 95%. Experimental studies have shown that this missense change affects PTPN11 function (PMID: 11704759, 15834506, 17177198). For these reasons, this variant has been classified as Pathogenic.

ARUP Laboratories, Molecular Genetics and Genomics, ARUP Laboratories
Classification: Pathogenic. Last evaluated: 2023-03-02. Review status: criteria provided, single submitter. Criteria: ARUP Molecular Germline Variant Investigation Process 2024. Collection method: clinical testing. Allele origin: germline.
Comment: The PTPN11 c.228G>C; p.Glu76Asp variant (rs397507514) is reported in the literature in individuals with Noonan syndrome (Chinton 2019, Li 2019, Tartaglia 2001), and is reported in ClinVar (Variation ID: 40503). Functional analyses show that this variant causes destabilization of the interdomain interface and in vitro phosphatase activity is altered (Bocchinfuso 2007). This variant is absent from the Genome Aggregation Database, indicating it is not a common polymorphism. Computational analyses predict that this variant is deleterious (REVEL: 0.703). Additionally, other variants at this codon (Ala, Gly, Lys and Val) have been reported in individuals with Noonan syndrome or juvenile myelomonocytic leukemia and are considered disease-causing (Tartaglia 2001, Tartaglia 2003). Based on available information, this variant is considered to be pathogenic. References: Bocchinfuso G et al. Structural and functional effects of disease-causing amino acid substitutions affecting residues Ala72 and Glu76 of the protein tyrosine phosphatase SHP-2. Proteins. 2007 Mar 1;66(4):963-74. PMID: 17177198. Chinton J et al. Clinical and molecular characterization of children with Noonan syndrome and other RASopathies in Argentina. Arch Argent Pediatr. 2019 Oct 1;117(5):330-337. English, Spanish. PMID: 31560489. Li X et al. Molecular and phenotypic spectrum of Noonan syndrome in Chinese patients. Clin Genet. 2019 Oct;96(4):290-299. PMID: 31219622. Tartaglia M et al. Mutations in PTPN11, encoding the protein tyrosine phosphatase SHP-2, cause Noonan syndrome. Nat Genet. 2001 Dec;29(4):465-8. PMID: 11704759. Tartaglia M et al. Somatic mutations in PTPN11 in juvenile myelomonocytic leukemia, myelodysplastic syndromes and acute myeloid leukemia. Nat Genet. 2003 Jun;34(2):148-50. PMID: 12717436.

GeneDx
Classification: Pathogenic. Last evaluated: 2023-01-18. Review status: criteria provided, single submitter. Criteria: GeneDx Variant Classification Process June 2021. Collection method: clinical testing. Allele origin: germline. Affected: yes.
Comment: Published functional studies demonstrate that the presence of the E76D variant causes increased basal catalytic activity in comparison to wild-type protein (Bocchinfuso et al., 2007); The majority of missense variants in this gene are considered pathogenic (HGMD); In silico analysis supports that this missense variant has a deleterious effect on protein structure/function; Not observed at significant frequency in large population cohorts (gnomAD); This variant is associated with the following publications: (PMID: 15987685, 20308328, 24803665, 26607044, 11704759, 28084675, 30417923, 31219622, 31560489, 33318624, 34643321, 17177198, 24077912, 11992261, 9491886, 16053901, 29493581)

NM_002834.5(PTPN11):c.228G>C (p.Glu76Asp)

Gene: PTPN11 (protein tyrosine phosphatase non-receptor type 11; plus strand). Cytogenetic location: 12q24.13.
Variant type: single nucleotide variant.
Coding change: c.228G>C on transcript NM_002834.5 (MANE Select); coding-DNA position 228, G replaced by C.
Protein change: p.Glu76Asp; replaces glutamic acid 76 with aspartic acid.
Molecular consequence: missense variant.
Genome position (GRCh38, 1-based): chr12:112,450,408, G>C. VCF-style: chr12-112450408-G-C. GRCh37 (hg19) VCF-style: chr12-112888212-G-C.
Other names: p.E76D:GAG>GAC; c.228G>C, p.Glu76Asp (NM_001330437.2, NM_080601.3); c.225G>C, p.Glu75Asp (NM_001374625.1); c.228G>C (NM_002834.4); short protein forms E76D, E75D.
Identifiers: ClinVar variation 40503 (VCV000040503.24), dbSNP rs397507514, ClinGen allele CA261577.